The following is an entry in ClinVar:

NM_005263.5(GFI1):c.489C>A (p.His163Gln)

Gene: GFI1 (growth factor independent 1 transcriptional repressor; minus strand). Cytogenetic location: 1p22.1.
Variant type: single nucleotide variant.
Coding change: c.489C>A on transcript NM_005263.5 (MANE Select); coding-DNA position 489, C replaced by A.
Protein change: p.His163Gln; replaces histidine 163 with glutamine.
Molecular consequence: missense variant.
Genome position (GRCh38, 1-based): chr1:92,480,898, G>T on the plus strand (C>A on the coding strand, the complement: GFI1 is on the minus strand). VCF-style: chr1-92480898-G-T. GRCh37 (hg19) VCF-style: chr1-92946455-G-T.
Other names: c.489C>A, p.His163Gln (NM_001127215.3, NM_001127216.3); short protein forms H163Q.
Identifiers: ClinVar variation 4263251 (VCV004263251.1).

ClinVar aggregate classification (germline): Uncertain significance (1 of 4 stars; one submission).

Submission:

Ambry Genetics
Classification: Uncertain significance. Last evaluated: 2025-09-07. Review status: criteria provided, single submitter. Criteria: Ambry Variant Classification Scheme 2023. Collection method: clinical testing. Allele origin: germline.
Comment: The p.H163Q variant (also known as c.489C>A), located in coding exon 3 of the GFI1 gene, results from a C to A substitution at nucleotide position 489. The histidine at codon 163 is replaced by glutamine, an amino acid with highly similar properties. This amino acid position is conserved. In addition, this alteration is predicted to be tolerated by in silico analysis. Based on the available evidence, the clinical significance of this variant remains unclear.